The following is an entry in ClinVar:

ClinVar aggregate classification (germline): Uncertain significance (1 of 4 stars; one submission).

Submission:

GeneDx
Classification: Uncertain significance. Last evaluated: 2024-05-16. Review status: criteria provided, single submitter. Criteria: GeneDx Variant Classification Process June 2021. Collection method: clinical testing. Allele origin: germline. Affected: yes.
Comment: In silico analysis indicates that this missense variant does not alter protein structure/function; Not observed at significant frequency in large population cohorts (gnomAD); Has not been previously published as pathogenic or benign to our knowledge

NM_001368397.1(FRMPD4):c.3404A>G (p.Asp1135Gly)

Gene: FRMPD4 (FERM and PDZ domain containing 4; plus strand). Cytogenetic location: Xp22.2.
Variant type: single nucleotide variant.
Coding change: c.3404A>G on transcript NM_001368397.1 (MANE Select); coding-DNA position 3404, A replaced by G.
Protein change: p.Asp1135Gly; replaces aspartic acid 1135 with glycine.
Molecular consequence: missense variant.
Genome position (GRCh38, 1-based): chrX:12,718,230, A>G. VCF-style: chrX-12718230-A-G. GRCh37 (hg19) VCF-style: chrX-12736349-A-G.
Other names: c.3515A>G, p.Asp1172Gly (NM_001368395.3, NM_001368398.3); c.3410A>G, p.Asp1137Gly (NM_001368396.3); c.3395A>G, p.Asp1132Gly (NM_001368399.3); c.3284A>G, p.Asp1095Gly (NM_001368400.3); c.3380A>G, p.Asp1127Gly (NM_001368401.1, NM_001368402.3); c.3404A>G, p.Asp1135Gly (NM_014728.3); short protein forms D1095G, D1127G, D1132G, D1135G, D1137G, D1172G.
Identifiers: ClinVar variation 3377882 (VCV003377882.1).
Genomic context (GRCh38, chrX:12,718,230, plus strand): 5'-TTCCAAGAGCTTCTGGTCTTGGGGCAAGGGAGGCCGAAGGGAAGGAAGAAGGAGCTCCTG[A>G]TGGAGAAACCAGTGATGGCTCAGGACTTGGTCAAGGGGACCGCTTCTTAACTGACGTGAC-3'
Protein context (NP_001355326.1, residues 1125-1145): EAEGKEEGAP[Asp1135Gly]GETSDGSGLG